The following is an entry in ClinVar:

ClinVar aggregate classification (germline): Benign (0 of 4 stars; one submission).

Conditions:
MYOM2-related disorder. Also called: MYOM2-related condition.

Allele frequency attached by ClinVar (database versions not stated): 1000 Genomes Project 0.00719; 1000 Genomes Project 30x 0.00781; gnomAD 0.00853; ESP Exome Variant Server 0.00946; TOPMed 0.00977.
gnomAD v4.1: 2,581 of 1,614,062 alleles (0.16%); highest among the groups gnomAD compares: African/African-American, 3%; 27 homozygotes.

Submission:

PreventionGenetics, part of Exact Sciences
Classification: Benign for MYOM2-related condition. Last evaluated: 2019-06-07. Review status: no assertion criteria provided. Collection method: clinical testing. Allele origin: germline.
Comment: This variant is classified as benign based on ACMG/AMP sequence variant interpretation guidelines (Richards et al. 2015 PMID: 25741868, with internal and published modifications).

NM_003970.4(MYOM2):c.2014C>T (p.His672Tyr)

Gene: MYOM2 (myomesin 2; plus strand). Cytogenetic location: 8p23.3.
Variant type: single nucleotide variant.
Coding change: c.2014C>T on transcript NM_003970.4 (MANE Select); coding-DNA position 2014, C replaced by T.
Protein change: p.His672Tyr; replaces histidine 672 with tyrosine.
Molecular consequence: missense variant.
Genome position (GRCh38, 1-based): chr8:2,093,980, C>T. VCF-style: chr8-2093980-C-T. GRCh37 (hg19) VCF-style: chr8-2041807-C-T.
Other names: short protein forms H672Y.
Identifiers: ClinVar variation 3044971 (VCV003044971.2), dbSNP rs115760721, ClinGen allele CA170456651.